The following is an entry in ClinVar:

ClinVar aggregate classification (germline): Uncertain significance (0 of 4 stars; one submission).

Conditions:
BGN-related disorder. Also called: BGN-related condition.

Submission:

PreventionGenetics, part of Exact Sciences
Classification: Uncertain significance for BGN-related condition. Last evaluated: 2024-01-27. Review status: no assertion criteria provided. Collection method: clinical testing. Allele origin: germline.
Comment: The BGN c.910-1G>C variant is predicted to disrupt the AG splice acceptor site and interfere with normal splicing. To our knowledge, this variant has not been reported in the literature or in a large population database, indicating this variant is rare. No other splicing variants have been reported in the literature for the BGN gene to date (Human Gene Mutation Database). At this time, the clinical significance of this variant is uncertain due to the absence of conclusive functional and genetic evidence.

NM_001711.6(BGN):c.910-1G>C

Gene: BGN (biglycan; plus strand). Cytogenetic location: Xq28.
Variant type: single nucleotide variant.
Coding change: c.910-1G>C on transcript NM_001711.6 (MANE Select); the canonical splice acceptor site of the intron before coding-DNA position 910, G replaced by C.
Molecular consequence: splice acceptor variant.
Genome position (GRCh38, 1-based): chrX:153,508,247, G>C. VCF-style: chrX-153508247-G-C. GRCh37 (hg19) VCF-style: chrX-152773705-G-C.
Identifiers: ClinVar variation 3031400 (VCV003031400.2), dbSNP rs2521227899, ClinGen allele CA415071617.